The following is an entry in ClinVar:

ClinVar aggregate classification (germline): Benign/Likely benign. Review status: criteria provided, multiple submitters, no conflicts (2 of 4 stars). 7 submissions from 7 submitters: Benign (2); Likely benign (4). 1 of the submissions does not count toward it. Last evaluated 2026-01-28.

Conditions:
DOK7-related disorder. Also called: DOK7-related condition.
Fetal akinesia deformation sequence 1 (FADS1). Also called: Fetal akinesia sequence; Pena-Shokeir syndrome type I. Identifiers: Orphanet 994, MedGen C1276035, MONDO:0100101, OMIM 208150, HP:0001989.
Congenital myasthenic syndrome 10. Also called: Myasthenia, limb-girdle, familial. Identifiers: Orphanet 590, MedGen C1850792, MONDO:0009690, OMIM 254300.

Allele frequency attached by ClinVar (database versions not stated): ESP Exome Variant Server 0.00194; TOPMed 0.00207; gnomAD 0.00210 and 0.00211; 1000 Genomes Project 30x 0.00265; ExAC 0.00278; 1000 Genomes Project 0.00280.
gnomAD v4.1: 1,237 of 1,574,618 alleles (0.079%); highest among the groups gnomAD compares: African/African-American, 0.63%; 7 homozygotes.

Submissions (7):

Labcorp Genetics (formerly Invitae), Labcorp
Classification: Benign for Congenital myasthenic syndrome 10; Fetal akinesia deformation sequence 1. Last evaluated: 2026-01-28. Review status: criteria provided, single submitter. Criteria: Invitae Variant Classification Sherloc (09022015). Collection method: clinical testing. Allele origin: germline.

Athena Diagnostics
Classification: Likely benign. Last evaluated: 2025-08-15. Review status: criteria provided, single submitter. Criteria: Athena Diagnostics Criteria. Collection method: clinical testing. Allele origin: unknown.
Comment: The frequency of this variant in the general population is higher than would generally be expected for pathogenic variants in this gene. Computational tools predict this amino acid change may be benign.

Blueprint Genetics
Classification: Likely benign. Last evaluated: 2024-10-22. Review status: criteria provided, single submitter. Criteria: ACMG Guidelines, 2015. Collection method: clinical testing. Allele origin: germline.

Women's Health and Genetics/Laboratory Corporation of America, LabCorp
Classification: Benign. Last evaluated: 2024-07-02. Review status: criteria provided, single submitter. Criteria: LabCorp Variant Classification Summary - May 2015. Collection method: clinical testing. Allele origin: germline.
Comment: Variant summary: DOK7 c.919G>A (p.Ala307Thr) results in a non-conservative amino acid change in the encoded protein sequence. Four of five in-silico tools predict a benign effect of the variant on protein function. The variant allele was found at a frequency of 0.0014 in 179660 control chromosomes including 3 homozygotes in the gnomAD database 9v2.1 dataset), predominantly reported within the African or African-American subpopulation at a frequency of 0.0078. The observed variant frequency within African or African-American control individuals in the gnomAD database is approximately 5.7-fold of the estimated maximal expected allele frequency for a pathogenic variant in DOK7 causing Congenital Myasthenic Syndrome phenotype (0.0014). To our knowledge, no occurrence of c.919G>A in individuals affected with Congenital Myasthenic Syndrome and no experimental evidence demonstrating its impact on protein function have been reported. ClinVar contains an entry for this variant (Variation ID: 534131). Based on the evidence outlined above, the variant was classified as benign.

GeneDx
Classification: Likely benign. Last evaluated: 2020-11-06. Review status: criteria provided, single submitter. Criteria: GeneDx Variant Classification Process June 2021. Collection method: clinical testing. Allele origin: germline. Affected: yes.

Breakthrough Genomics
Classification: Likely benign. Review status: criteria provided, single submitter. Criteria: ACMG Guidelines, 2015. Collection method: not provided. Allele origin: germline. Inheritance: Autosomal recessive inheritance. Affected: yes.

PreventionGenetics, part of Exact Sciences
Classification: Benign for DOK7-related condition. Last evaluated: 2019-08-13. Review status: no assertion criteria provided. Collection method: clinical testing. Allele origin: germline. Not counted in ClinVar's aggregate classification.
Comment: This variant is classified as benign based on ACMG/AMP sequence variant interpretation guidelines (Richards et al. 2015 PMID: 25741868, with internal and published modifications).

NM_173660.5(DOK7):c.919G>A (p.Ala307Thr)

Gene: DOK7 (docking protein 7; plus strand). Cytogenetic location: 4p16.3.
Variant type: single nucleotide variant.
Coding change: c.919G>A on transcript NM_173660.5 (MANE Select); coding-DNA position 919, G replaced by A.
Protein change: p.Ala307Thr; replaces alanine 307 with threonine.
Molecular consequence: missense variant. On other transcripts: 3 prime UTR variant (1), 5 prime UTR variant (1).
Genome position (GRCh38, 1-based): chr4:3,492,905, G>A. VCF-style: chr4-3492905-G-A. GRCh37 (hg19) VCF-style: chr4-3494632-G-A.
Other names: c.*140G>A (NM_001164673.2); c.-12G>A (NM_001256896.2); c.919G>A, p.Ala307Thr (NM_001301071.2); c.487G>A, p.Ala163Thr (NM_001363811.2); short protein forms A307T, A163T.
Identifiers: ClinVar variation 534131 (VCV000534131.19), dbSNP rs150415034, ClinGen allele CA2829286.